The following is an entry in ClinVar:

ClinVar aggregate classification (germline): Benign/Likely benign. Review status: criteria provided, multiple submitters, no conflicts (2 of 4 stars). 3 submissions from 3 submitters: Benign (1); Likely benign (2). Last evaluated 2025-03-27.

Conditions:
Colorectal cancer, susceptibility to, 12 (CRCS12). Also called: COLORECTAL CANCER, SUSCEPTIBILITY TO, ON CHROMOSOME 12q24. Identifiers: Orphanet 220460, MedGen C3554460, MONDO:0014038, OMIM 615083.
Hereditary cancer-predisposing syndrome. Also called: Tumor predisposition; Hereditary neoplastic syndrome; Neoplastic Syndromes, Hereditary; Hereditary Cancer Syndrome. Identifiers: Orphanet 140162, MedGen C0027672, MeSH D009386, MONDO:0015356.

Allele frequency attached by ClinVar (database versions not stated): gnomAD exomes below 0.00001; TOPMed 0.00001.
gnomAD v4.1: 1 of 1,614,146 alleles (0.000062%); highest among the groups gnomAD compares: Admixed American, 0.0017%; no homozygotes.

Submissions (3):

Ambry Genetics
Classification: Likely benign for Hereditary cancer-predisposing syndrome. Last evaluated: 2025-03-27. Review status: criteria provided, single submitter. Criteria: Ambry Variant Classification Scheme 2023. Collection method: clinical testing. Allele origin: germline.

Myriad Genetics, Inc.
Classification: Benign for Colorectal cancer, susceptibility to, 12. Last evaluated: 2025-02-10. Review status: criteria provided, single submitter. Criteria: Myriad Autosomal Dominant, Autosomal Recessive and X-Linked Classification Criteria (2023). Collection method: clinical testing. Allele origin: unknown.
Comment: This variant is considered benign. This variant is a silent/synonymous amino acid change and it is not expected to impact splicing.

Labcorp Genetics (formerly Invitae), Labcorp
Classification: Likely benign. Last evaluated: 2023-12-16. Review status: criteria provided, single submitter. Criteria: Invitae Variant Classification Sherloc (09022015). Collection method: clinical testing. Allele origin: germline.

NM_006231.4(POLE):c.1068C>T (p.Pro356=)

Gene: POLE (DNA polymerase epsilon, catalytic subunit; minus strand). Cytogenetic location: 12q24.33.
Variant type: single nucleotide variant.
Coding change: c.1068C>T on transcript NM_006231.4 (MANE Select); coding-DNA position 1068, C replaced by T.
Protein change: p.Pro356=; no amino-acid change (proline 356 retained).
Molecular consequence: synonymous variant.
Genome position (GRCh38, 1-based): chr12:132,675,773, G>A on the plus strand (C>T on the coding strand, the complement: POLE is on the minus strand). VCF-style: chr12-132675773-G-A. GRCh37 (hg19) VCF-style: chr12-133252359-G-A.
Other names: c.1068C>T (NM_006231.2).
Identifiers: ClinVar variation 1592909 (VCV001592909.10), dbSNP rs1304186498, ClinGen allele CA482849768.